The following is an entry in ClinVar:

NM_206933.4(USH2A):c.2000_2003dup (p.Ser669fs)

Gene: USH2A (usherin; minus strand). Cytogenetic location: 1q41.
Variant type: Duplication.
Coding change: c.2000_2003dup on transcript NM_206933.4 (MANE Select); coding-DNA positions 2000 to 2003, 4 bases duplicated (ACGT; older notation c.2000_2003dupACGT).
Protein change: p.Ser669fs; shifts the reading frame from serine 669.
Molecular consequence: frameshift variant.
Genome position (GRCh38, 1-based): chr1:216,251,067-216,251,070, ACGT duplicated on the plus strand (ACGT on the coding strand, the reverse complement: USH2A is on the minus strand). VCF-style (leftmost placement, unchanged base first): chr1-216251066-C-CACGT. GRCh37 (hg19) VCF-style: chr1-216424408-C-CACGT.
Other names: c.2000_2003dup, p.Ser669fs (NM_007123.6); short protein forms S669fs.
Identifiers: ClinVar variation 4817108 (VCV004817108.1).

ClinVar aggregate classification (germline): Likely pathogenic (1 of 4 stars; one submission).

Conditions:
Usher syndrome type 2A. Also called: RETINAL DISEASE IN USHER SYNDROME TYPE IIA, MODIFIER OF; USHER SYNDROME, TYPE IIA. Identifiers: Orphanet 231178, Orphanet 886, MedGen C1848634, MONDO:0010169, OMIM 276901.

Submission:

Natera, Inc.
Classification: Likely pathogenic for Usher syndrome type 2A. Last evaluated: 2024-06-24. Review status: criteria provided, single submitter. Criteria: Natera Variant Classification Schema (03/2026). Collection method: clinical testing. Allele origin: germline.
Comment: The c.2000_2003dup variant in USH2A is a frameshift variant predicted to shift the reading frame beginning at codon 669 and leads to a stop codon 22 codons downstream. This variant is expected to result in nonsense mediated decay, truncation, or a dysfunctional protein product. This variant is rare in the general population with a frequency below the threshold expected for the associated phenotype(s). Given the available evidence, this variant is classified as Likely Pathogenic.